The following is an entry in ClinVar:

NM_005476.7(GNE):c.182_185del (p.Ile61fs)

Gene: GNE (glucosamine (UDP-N-acetyl)-2-epimerase/N-acetylmannosamine kinase; minus strand). Cytogenetic location: 9p13.3.
Variant type: Deletion.
Coding change: c.182_185del on transcript NM_005476.7 (MANE Select); coding-DNA positions 182 to 185, 4 bases deleted (TTGA; older notation c.182_185delTTGA).
Protein change: p.Ile61fs; shifts the reading frame from isoleucine 61.
Molecular consequence: frameshift variant. On other transcripts: initiator codon variant (3).
Genome position (GRCh38, 1-based): chr9:36,246,462-36,246,465, TCAA deleted on the plus strand (TTGA on the coding strand, the reverse complement: GNE is on the minus strand); deleting any 4 consecutive bases within chr9:36,246,462-36,246,468 gives the same sequence; the c. name uses the placement nearest the transcript's 3' end. VCF-style (leftmost placement, unchanged base first): chr9-36246461-TTCAA-T. GRCh37 (hg19) VCF-style: chr9-36246458-TTCAA-T.
Other names: c.275_278del (NM_001128227.2); c.275_278del, p.Ile92fs (NM_001128227.3); c.182_185del, p.Ile61fs (NM_001190383.3, NM_001374797.1); c.5_8del, p.Ile2fs (NM_001190384.3, NM_001190388.2, NM_001374798.1); short protein forms I2fs, I61fs, I92fs.
Identifiers: ClinVar variation 2934399 (VCV002934399.4), dbSNP rs1444208046, ClinGen allele CA588147232.

ClinVar aggregate classification (germline): Pathogenic/Likely pathogenic. Review status: criteria provided, multiple submitters, no conflicts (2 of 4 stars). 2 submissions from 2 submitters: Pathogenic (1); Likely pathogenic (1). Last evaluated 2024-02-14.

Conditions:
Sialuria. Also called: SIALURIA, FRENCH TYPE; Sialic Acid Storage Disease. Identifiers: Orphanet 3166, MedGen C0342853, MONDO:0010028, OMIM 269921.
GNE myopathy (NM). Also called: NONAKA DISTAL MYOPATHY; INCLUSION BODY MYOPATHY, HEREDITARY, AUTOSOMAL RECESSIVE; INCLUSION BODY MYOPATHY 2, AUTOSOMAL RECESSIVE; MYOPATHY, DISTAL, WITH OR WITHOUT RIMMED VACUOLES; IBM 2; Inclusion body myopathy autosomal recessive. Identifiers: Orphanet 602, MedGen C1853926, MONDO:0011603, OMIM 605820.

Submissions (2):

Baylor Genetics
Classification: Likely pathogenic for GNE myopathy. Last evaluated: 2024-02-14. Review status: criteria provided, single submitter. Criteria: ACMG Guidelines, 2015. Collection method: clinical testing. Allele origin: unknown.

Labcorp Genetics (formerly Invitae), Labcorp
Classification: Pathogenic for Sialuria; GNE myopathy. Last evaluated: 2023-03-04. Review status: criteria provided, single submitter. Criteria: Invitae Variant Classification Sherloc (09022015). Collection method: clinical testing. Allele origin: germline.
Comment: This sequence change creates a premature translational stop signal (p.Ile92Asnfs*15) in the GNE gene. It is expected to result in an absent or disrupted protein product. Loss-of-function variants in GNE are known to be pathogenic (PMID: 24027297). This variant is present in population databases (no rsID available, gnomAD 0.002%). This variant has not been reported in the literature in individuals affected with GNE-related conditions. For these reasons, this variant has been classified as Pathogenic.

Literature cited by the submitters: PubMed 24027297 (cited by Labcorp Genetics (formerly Invitae), Labcorp).